The following is an entry in ClinVar:

NM_002180.3(IGHMBP2):c.1031C>T (p.Ser344Leu)

Gene: IGHMBP2 (immunoglobulin mu DNA binding protein 2; plus strand). Cytogenetic location: 11q13.3.
Variant type: single nucleotide variant.
Coding change: c.1031C>T on transcript NM_002180.3 (MANE Select); coding-DNA position 1031, C replaced by T.
Protein change: p.Ser344Leu; replaces serine 344 with leucine.
Molecular consequence: missense variant.
Genome position (GRCh38, 1-based): chr11:68,917,854, C>T. VCF-style: chr11-68917854-C-T. GRCh37 (hg19) VCF-style: chr11-68685322-C-T.
Other names: short protein forms S344L.
Identifiers: ClinVar variation 3370187 (VCV003370187.2).

ClinVar aggregate classification (germline): Uncertain significance. Review status: criteria provided, multiple submitters, no conflicts (2 of 4 stars). 2 submissions from 2 submitters: Uncertain significance (2). Last evaluated 2024-10-24.

Conditions:
Inborn genetic diseases. Identifiers: MedGen C0950123, MeSH D030342.

gnomAD v4.1: 28 of 1,614,150 alleles (0.0017%); highest among the groups gnomAD compares: African/African-American, 0.011%; no homozygotes.

Submissions (2):

Ambry Genetics
Classification: Uncertain significance for Inborn genetic diseases. Last evaluated: 2024-10-24. Review status: criteria provided, single submitter. Criteria: Ambry Variant Classification Scheme 2023. Collection method: clinical testing. Allele origin: germline.

GeneDx
Classification: Uncertain significance. Last evaluated: 2023-12-21. Review status: criteria provided, single submitter. Criteria: GeneDx Variant Classification Process June 2021. Collection method: clinical testing. Allele origin: germline. Affected: yes.
Comment: Not observed at significant frequency in large population cohorts (gnomAD); In silico analysis supports that this missense variant has a deleterious effect on protein structure/function; Has not been previously published as pathogenic or benign to our knowledge; This variant is associated with the following publications: (PMID: 24388491, 25439726, 22965130)